The following is an entry in ClinVar:

ClinVar aggregate classification (germline): Uncertain significance (1 of 4 stars; one submission).

Allele frequency attached by ClinVar (database versions not stated): gnomAD 0.00001; TOPMed 0.00002.
gnomAD v4.1: 14 of 1,479,242 alleles (0.00095%); highest among the groups gnomAD compares: Middle Eastern, 0.02%; no homozygotes.

Submission:

Labcorp Genetics (formerly Invitae), Labcorp
Classification: Uncertain significance. Last evaluated: 2023-12-11. Review status: criteria provided, single submitter. Criteria: Invitae Variant Classification Sherloc (09022015). Collection method: clinical testing. Allele origin: germline.
Comment: This sequence change replaces glutamine, which is neutral and polar, with arginine, which is basic and polar, at codon 8 of the TMED7 protein (p.Gln8Arg). This variant is present in population databases (no rsID available, gnomAD 0.007%). This variant has not been reported in the literature in individuals affected with TMED7-related conditions. ClinVar contains an entry for this variant (Variation ID: 1927541). Algorithms developed to predict the effect of missense changes on protein structure and function output the following: SIFT: "Not Available"; PolyPhen-2: "Benign"; Align-GVGD: "Not Available". The arginine amino acid residue is found in multiple mammalian species, which suggests that this missense change does not adversely affect protein function. In summary, the available evidence is currently insufficient to determine the role of this variant in disease. Therefore, it has been classified as a Variant of Uncertain Significance.

NM_181836.6(TMED7):c.23A>G (p.Gln8Arg)

Genes: TMED7 (transmembrane p24 trafficking protein 7; minus strand), TMED7-TICAM2 (TMED7-TICAM2 readthrough; minus strand). Cytogenetic location: 5q22.3.
Variant type: single nucleotide variant.
Coding change: c.23A>G on transcript NM_181836.6 (MANE Select); coding-DNA position 23, A replaced by G.
Protein change: p.Gln8Arg; replaces glutamine 8 with arginine.
Molecular consequence: missense variant.
Genome position (GRCh38, 1-based): chr5:115,625,770, T>C on the plus strand (A>G on the coding strand, the complement: TMED7 is on the minus strand). VCF-style: chr5-115625770-T-C. GRCh37 (hg19) VCF-style: chr5-114961467-T-C.
Other names: c.23A>G, p.Gln8Arg (NM_001164468.4, NM_001164469.4); short protein forms Q8R.
Identifiers: ClinVar variation 1927541 (VCV001927541.5), dbSNP rs991577285, ClinGen allele CA125800553.